The following is an entry in ClinVar:

ClinVar aggregate classification (germline): Uncertain significance (1 of 4 stars; one submission).

Submission:

GeneDx
Classification: Uncertain significance. Last evaluated: 2022-12-19. Review status: criteria provided, single submitter. Criteria: GeneDx Variant Classification Process June 2021. Collection method: clinical testing. Allele origin: germline. Affected: yes.
Comment: Not observed at significant frequency in large population cohorts (gnomAD); In silico analysis supports that this missense variant does not alter protein structure/function; Has not been previously published as pathogenic or benign to our knowledge

NM_182925.5(FLT4):c.1459C>G (p.Arg487Gly)

Gene: FLT4 (fms related receptor tyrosine kinase 4; minus strand). Cytogenetic location: 5q35.3.
Variant type: single nucleotide variant.
Coding change: c.1459C>G on transcript NM_182925.5 (MANE Select); coding-DNA position 1459, C replaced by G.
Protein change: p.Arg487Gly; replaces arginine 487 with glycine.
Molecular consequence: missense variant.
Genome position (GRCh38, 1-based): chr5:180,624,024, G>C on the plus strand (C>G on the coding strand, the complement: FLT4 is on the minus strand). VCF-style: chr5-180624024-G-C. GRCh37 (hg19) VCF-style: chr5-180051024-G-C.
Other names: c.1459C>G, p.Arg487Gly (NM_001354989.2, NM_002020.5); short protein forms R487G.
Identifiers: ClinVar variation 2505647 (VCV002505647.1), dbSNP rs769840412, ClinGen allele CA362504313.
Genomic context (GRCh38, chr5:180,624,024, plus strand): 5'-AGGTGTCCAGGCTCTCGATGGGGTTCACGGCATCCTGCGTGGTCACCGCCCTCCAGTCAC[G>C]GCACTGTGGCATGAGGTCTTGCTGCTGCCGCCGCCGGCTGCCAGGACCAGAAGAGGCAAG-3'
Protein context (NP_891555.2, residues 477-497): RQQQDLMPQC[Arg487Gly]DWRAVTTQDA